The following is an entry in ClinVar:

ClinVar aggregate classification (germline): Uncertain significance. Review status: criteria provided, multiple submitters, no conflicts (2 of 4 stars). 2 submissions from 2 submitters: Uncertain significance (2). Last evaluated 2025-04-18.

Conditions:
Hereditary cancer-predisposing syndrome. Also called: Hereditary Cancer Syndrome; Hereditary neoplastic syndrome; Tumor predisposition; Neoplastic Syndromes, Hereditary. Identifiers: Orphanet 140162, MedGen C0027672, MeSH D009386, MONDO:0015356.
Bloom syndrome (BLM). Also called: Bloom-Torre-Machacek syndrome. Identifiers: Orphanet 125, MedGen C0005859, MONDO:0008876, OMIM 210900.

gnomAD v4.1: 1 of 1,613,706 alleles (0.000062%); highest among the groups gnomAD compares: Admixed American, 0.0017%; no homozygotes.

Submissions (2):

Labcorp Genetics (formerly Invitae), Labcorp
Classification: Uncertain significance for Bloom syndrome. Last evaluated: 2025-04-18. Review status: criteria provided, single submitter. Criteria: Invitae Variant Classification Sherloc (09022015). Collection method: clinical testing. Allele origin: germline.
Comment: This sequence change replaces tyrosine, which is neutral and polar, with histidine, which is basic and polar, at codon 784 of the BLM protein (p.Tyr784His). This variant is not present in population databases (gnomAD no frequency). This variant has not been reported in the literature in individuals affected with BLM-related conditions. ClinVar contains an entry for this variant (Variation ID: 1790008). Invitae Evidence Modeling of protein sequence and biophysical properties (such as structural, functional, and spatial information, amino acid conservation, physicochemical variation, residue mobility, and thermodynamic stability) indicates that this missense variant is not expected to disrupt BLM protein function with a negative predictive value of 80%. In summary, the available evidence is currently insufficient to determine the role of this variant in disease. Therefore, it has been classified as a Variant of Uncertain Significance.

Ambry Genetics
Classification: Uncertain significance for Hereditary cancer-predisposing syndrome. Last evaluated: 2024-04-25. Review status: criteria provided, single submitter. Criteria: Ambry Variant Classification Scheme 2023. Collection method: clinical testing. Allele origin: germline.
Comment: The p.Y784H variant (also known as c.2350T>C), located in coding exon 10 of the BLM gene, results from a T to C substitution at nucleotide position 2350. The tyrosine at codon 784 is replaced by histidine, an amino acid with similar properties. This amino acid position is conserved. In addition, the in silico prediction for this alteration is inconclusive. Since supporting evidence is limited at this time, the clinical significance of this alteration remains unclear.

NM_000057.4(BLM):c.2350T>C (p.Tyr784His)

Gene: BLM (BLM RecQ like helicase; plus strand). Cytogenetic location: 15q26.1.
Variant type: single nucleotide variant.
Coding change: c.2350T>C on transcript NM_000057.4 (MANE Select); coding-DNA position 2350, T replaced by C.
Protein change: p.Tyr784His; replaces tyrosine 784 with histidine.
Molecular consequence: missense variant.
Genome position (GRCh38, 1-based): chr15:90,769,175, T>C. VCF-style: chr15-90769175-T-C. GRCh37 (hg19) VCF-style: chr15-91312405-T-C.
Other names: c.2350T>C, p.Tyr784His (NM_001287246.2, NM_001287247.2); c.1225T>C, p.Tyr409His (NM_001287248.2); short protein forms Y409H, Y784H.
Identifiers: ClinVar variation 1790008 (VCV001790008.6), dbSNP rs779746222, ClinGen allele CA393845112.